The following is an entry in ClinVar:

ClinVar aggregate classification (germline): Conflicting classifications of pathogenicity. Review status: criteria provided, conflicting classifications (1 of 4 stars). 2 submissions from 2 submitters: Uncertain significance (1); Likely benign (1). Last evaluated 2026-06-03.

Conditions:
Neurofibromatosis, type 1 (NF1). Also called: VON RECKLINGHAUSEN DISEASE; NEUROFIBROMATOSIS, TYPE I, SOMATIC; Peripheral type neurofibromatosis; Neurofibromatosis, type I. Identifiers: Orphanet 636, MedGen C0027831, MONDO:0018975, OMIM 162200. Disease mechanism: loss of function.
Cardiovascular phenotype. Identifiers: MedGen CN230736.
Hereditary cancer-predisposing syndrome. Also called: Neoplastic Syndromes, Hereditary; Tumor predisposition; Hereditary Cancer Syndrome; Hereditary neoplastic syndrome. Identifiers: Orphanet 140162, MedGen C0027672, MeSH D009386, MONDO:0015356.

gnomAD v4.1: 1 of 1,611,966 alleles (0.000062%); highest among the groups gnomAD compares: South Asian, 0.0011%; no homozygotes.

Submissions (2):

Ambry Genetics
Classification: Likely benign for Cardiovascular phenotype; Hereditary cancer-predisposing syndrome. Last evaluated: 2026-06-03. Review status: criteria provided, single submitter. Criteria: Ambry Variant Classification Scheme 2023. Collection method: clinical testing. Allele origin: germline.

Labcorp Genetics (formerly Invitae), Labcorp
Classification: Uncertain significance for Neurofibromatosis, type 1. Last evaluated: 2024-09-28. Review status: criteria provided, single submitter. Criteria: Invitae Variant Classification Sherloc (09022015). Collection method: clinical testing. Allele origin: germline.
Comment: This sequence change replaces serine, which is neutral and polar, with phenylalanine, which is neutral and non-polar, at codon 2463 of the NF1 protein (p.Ser2463Phe). This variant is present in population databases (no rsID available, gnomAD 0.003%). This variant has not been reported in the literature in individuals affected with NF1-related conditions. Invitae Evidence Modeling of protein sequence and biophysical properties (such as structural, functional, and spatial information, amino acid conservation, physicochemical variation, residue mobility, and thermodynamic stability) indicates that this missense variant is not expected to disrupt NF1 protein function with a negative predictive value of 95%. In summary, the available evidence is currently insufficient to determine the role of this variant in disease. Therefore, it has been classified as a Variant of Uncertain Significance.

NM_001042492.3(NF1):c.7451C>T (p.Ser2484Phe)

Gene: NF1 (neurofibromin 1; plus strand). Cytogenetic location: 17q11.2.
Variant type: single nucleotide variant.
Coding change: c.7451C>T on transcript NM_001042492.3 (MANE Select); coding-DNA position 7451, C replaced by T.
Protein change: p.Ser2484Phe; replaces serine 2484 with phenylalanine.
Molecular consequence: missense variant.
Genome position (GRCh38, 1-based): chr17:31,350,312, C>T. VCF-style: chr17-31350312-C-T. GRCh37 (hg19) VCF-style: chr17-29677330-C-T.
Other names: c.7388C>T, p.Ser2463Phe (NM_000267.4); short protein forms S2463F, S2484F.
Identifiers: ClinVar variation 3404612 (VCV003404612.4).